The following is an entry in ClinVar:

ClinVar aggregate classification (germline): Uncertain significance (1 of 4 stars; one submission).

Conditions:
Hereditary cancer-predisposing syndrome. Also called: Hereditary Cancer Syndrome; Hereditary neoplastic syndrome; Neoplastic Syndromes, Hereditary; Tumor predisposition. Identifiers: Orphanet 140162, MedGen C0027672, MeSH D009386, MONDO:0015356.

Allele frequency attached by ClinVar (database versions not stated): ExAC 0.00001.
gnomAD v4.1: 1 of 1,613,896 alleles (0.000062%); highest among the groups gnomAD compares: Non-Finnish European, 0.000085%; no homozygotes.

Submission:

Ambry Genetics
Classification: Uncertain significance for Hereditary cancer-predisposing syndrome. Last evaluated: 2024-05-28. Review status: criteria provided, single submitter. Criteria: Ambry Variant Classification Scheme 2023. Collection method: clinical testing. Allele origin: germline.
Comment: The p.A39V variant (also known as c.116C>T), located in coding exon 1 of the GREM1 gene, results from a C to T substitution at nucleotide position 116. The alanine at codon 39 is replaced by valine, an amino acid with similar properties. This amino acid position is conserved. In addition, this alteration is predicted to be tolerated by in silico analysis. Since supporting evidence is limited at this time, the clinical significance of this alteration remains unclear.

NM_013372.7(GREM1):c.116C>T (p.Ala39Val)

Gene: GREM1 (gremlin 1, DAN family BMP antagonist; plus strand). Cytogenetic location: 15q13.3.
Variant type: single nucleotide variant.
Coding change: c.116C>T on transcript NM_013372.7 (MANE Select); coding-DNA position 116, C replaced by T.
Protein change: p.Ala39Val; replaces alanine 39 with valine.
Molecular consequence: missense variant. On other transcripts: splice donor variant (1), intron variant (1).
Genome position (GRCh38, 1-based): chr15:32,730,806, C>T. VCF-style: chr15-32730806-C-T. GRCh37 (hg19) VCF-style: chr15-33023007-C-T.
Other names: c.116C>T, p.Ala39Val (NM_001368719.1); c.114+2C>T (NM_001191323.2); c.27+89C>T (NM_001191322.2); short protein forms A39V.
Identifiers: ClinVar variation 1739182 (VCV001739182.3), dbSNP rs768170664, ClinGen allele CA7456109.
Genomic context (GRCh38, chr15:32,730,806, plus strand): 5'-TGCCGGCTGCTGAAGGGAAAAAGAAAGGGTCCCAAGGTGCCATCCCCCCGCCAGACAAGG[C>T]CCAGCACAATGACTCAGAGCAGACTCAGTCGCCCCAGCAGCCTGGCTCCAGGAACCGGGG-3'
Protein context (NP_037504.1, residues 29-49): SQGAIPPPDK[Ala39Val]QHNDSEQTQS